The following is an entry in ClinVar:

ClinVar aggregate classification (germline): Uncertain significance (1 of 4 stars; one submission).

Submission:

GeneDx
Classification: Uncertain significance. Last evaluated: 2024-11-07. Review status: criteria provided, single submitter. Criteria: GeneDx Variant Classification Process June 2021. Collection method: clinical testing. Allele origin: germline. Affected: yes.
Comment: Not observed at significant frequency in large population cohorts (gnomAD); In silico analysis indicates that this missense variant does not alter protein structure/function; Has not been previously published as pathogenic or benign to our knowledge

NM_004606.5(TAF1):c.5186C>A (p.Ala1729Asp)

Gene: TAF1 (TATA-box binding protein associated factor 1; plus strand). Cytogenetic location: Xq13.1.
Variant type: single nucleotide variant.
Coding change: c.5186C>A on transcript NM_004606.5 (MANE Select); coding-DNA position 5186, C replaced by A.
Protein change: p.Ala1729Asp; replaces alanine 1729 with aspartic acid.
Molecular consequence: missense variant. On other transcripts: non-coding transcript variant (9).
Genome position (GRCh38, 1-based): chrX:71,459,673, C>A. VCF-style: chrX-71459673-C-A. GRCh37 (hg19) VCF-style: chrX-70679523-C-A.
Other names: c.5192C>A, p.Ala1731Asp (NM_001286074.2); c.5123C>A, p.Ala1708Asp (NM_138923.4); short protein forms A1708D, A1729D, A1731D.
Identifiers: ClinVar variation 3899014 (VCV003899014.1).